The following is an entry in ClinVar:

NM_014862.4(ARNT2):c.124C>T (p.Arg42Cys)

Gene: ARNT2 (aryl hydrocarbon receptor nuclear translocator 2; plus strand). Cytogenetic location: 15q25.1.
Variant type: single nucleotide variant.
Coding change: c.124C>T on transcript NM_014862.4 (MANE Select); coding-DNA position 124, C replaced by T.
Protein change: p.Arg42Cys; replaces arginine 42 with cysteine.
Molecular consequence: missense variant.
Genome position (GRCh38, 1-based): chr15:80,450,972, C>T. VCF-style: chr15-80450972-C-T. GRCh37 (hg19) VCF-style: chr15-80743313-C-T.
Other names: short protein forms R42C.
Identifiers: ClinVar variation 2415959 (VCV002415959.5), dbSNP rs375524509, ClinGen allele CA7691614.

ClinVar aggregate classification (germline): Uncertain significance (1 of 4 stars; one submission).

Allele frequency attached by ClinVar (database versions not stated): gnomAD 0.00001; ExAC 0.00002; TOPMed 0.00002; ESP Exome Variant Server 0.00008.
gnomAD v4.1: 21 of 1,613,918 alleles (0.0013%); highest among the groups gnomAD compares: East Asian, 0.0022%; no homozygotes.

Submission:

Labcorp Genetics (formerly Invitae), Labcorp
Classification: Uncertain significance. Last evaluated: 2024-10-10. Review status: criteria provided, single submitter. Criteria: Invitae Variant Classification Sherloc (09022015). Collection method: clinical testing. Allele origin: germline.
Comment: This sequence change replaces arginine, which is basic and polar, with cysteine, which is neutral and slightly polar, at codon 42 of the ARNT2 protein (p.Arg42Cys). This variant is present in population databases (rs375524509, gnomAD 0.007%). This variant has not been reported in the literature in individuals affected with ARNT2-related conditions. ClinVar contains an entry for this variant (Variation ID: 2415959). An algorithm developed to predict the effect of missense changes on protein structure and function (PolyPhen-2) suggests that this variant is likely to be disruptive. In summary, the available evidence is currently insufficient to determine the role of this variant in disease. Therefore, it has been classified as a Variant of Uncertain Significance.